The following is an entry in ClinVar:

ClinVar aggregate classification (germline): Pathogenic (1 of 4 stars; one submission).

Conditions:
Osteogenesis imperfecta, perinatal lethal (OI2). Also called: OSTEOGENESIS IMPERFECTA, TYPE II; Osteogenesis imperfecta type 2; Osteogenesis imperfecta, dominant perinatal lethal; OI, TYPE II; OSTEOGENESIS IMPERFECTA CONGENITA; VROLIK TYPE OF OSTEOGENESIS IMPERFECTA. Identifiers: Orphanet 216804, MedGen C0268358, MONDO:0008147, OMIM 166210.

Submission:

MVZ Medizinische Genetik Mainz
Classification: Pathogenic for Osteogenesis imperfecta, perinatal lethal. Last evaluated: 2024-07-05. Review status: criteria provided, single submitter. Criteria: UK Practice Guidelines For Variant Classification V4 01 2020. Collection method: clinical testing. Allele origin: germline. Inheritance: Autosomal dominant inheritance. Affected: yes. Observed: 1 variant allele.
Comment: ACMG Criteria: PVS1,PS1,PS4_SUP,PM2_SUP

NM_000088.4(COL1A1):c.1353+1G>A

Gene: COL1A1 (collagen type I alpha 1 chain; minus strand). Cytogenetic location: 17q21.33.
Variant type: single nucleotide variant.
Coding change: c.1353+1G>A on transcript NM_000088.4 (MANE Select); the canonical splice donor site of the intron after coding-DNA position 1353, G replaced by A.
Molecular consequence: splice donor variant.
Genome position (GRCh38, 1-based): chr17:50,195,046, C>T on the plus strand (G>A on the coding strand, the complement: COL1A1 is on the minus strand). VCF-style: chr17-50195046-C-T. GRCh37 (hg19) VCF-style: chr17-48272407-C-T.
Identifiers: ClinVar variation 4857252 (VCV004857252.1).